The following is an entry in ClinVar:

NM_138383.3(MTSS2):c.1562G>A (p.Ser521Asn)

Gene: MTSS2 (MTSS I-BAR domain containing 2; minus strand). Cytogenetic location: 16q22.1.
Variant type: single nucleotide variant.
Coding change: c.1562G>A on transcript NM_138383.3 (MANE Select); coding-DNA position 1562, G replaced by A.
Protein change: p.Ser521Asn; replaces serine 521 with asparagine.
Molecular consequence: missense variant.
Genome position (GRCh38, 1-based): chr16:70,664,359, C>T on the plus strand (G>A on the coding strand, the complement: MTSS2 is on the minus strand). VCF-style: chr16-70664359-C-T. GRCh37 (hg19) VCF-style: chr16-70698262-C-T.
Other names: p.Ser521Asn; short protein forms S521N.
Identifiers: ClinVar variation 3781344 (VCV003781344.1).

ClinVar aggregate classification (germline): Uncertain significance (1 of 4 stars; one submission).

Conditions:
Intellectual developmental disorder with ocular anomalies and distinctive facial features (IDDOF). Identifiers: MedGen C5774238, MONDO:0859303, OMIM 620086.

Submission:

Foundation for Research in Genetics and Endocrinology, FRIGE's Institute of Human Genetics
Classification: Uncertain significance for Intellectual developmental disorder with ocular anomalies and distinctive facial features. Last evaluated: 2025-03-06. Review status: criteria provided, single submitter. Criteria: ACMG Guidelines, 2015. Collection method: clinical testing. Allele origin: germline. Inheritance: Autosomal dominant inheritance. Affected: yes. Observed: 1 heterozygote.
Comment: A heterozygous missense variant in exon 15 of the MTSS2 gene that results in an amino acid substitution of Asparagine for Serine at codon 521 was detected. The observed variant c.1562G>A (p.Ser521Asn) has not been reported in the 1000 genomes and gnomAD databases. The in silico prediction of the variant are possibly damaging by PolyPhen-2, SIFT and LRT. In summary, the variant meets our criteria to be classified as a variant of uncertain significance.